The following is an entry in ClinVar:

ClinVar aggregate classification (germline): Uncertain significance (1 of 4 stars; one submission).

Allele frequency attached by ClinVar (database versions not stated): gnomAD exomes below 0.00001; gnomAD 0.00002; TOPMed 0.00003.
gnomAD v4.1: 3 of 1,209,402 alleles (0.00025%); highest among the groups gnomAD compares: African/African-American, 0.0053%; no homozygotes.

Submission:

Labcorp Genetics (formerly Invitae), Labcorp
Classification: Uncertain significance. Last evaluated: 2022-07-20. Review status: criteria provided, single submitter. Criteria: Invitae Variant Classification Sherloc (09022015). Collection method: clinical testing. Allele origin: germline.
Comment: This variant is not present in population databases (gnomAD no frequency). This sequence change replaces isoleucine, which is neutral and non-polar, with methionine, which is neutral and non-polar, at codon 740 of the CACNA1F protein (p.Ile740Met). This variant has not been reported in the literature in individuals affected with CACNA1F-related conditions. In summary, the available evidence is currently insufficient to determine the role of this variant in disease. Therefore, it has been classified as a Variant of Uncertain Significance. Algorithms developed to predict the effect of missense changes on protein structure and function are either unavailable or do not agree on the potential impact of this missense change (SIFT: "Deleterious"; PolyPhen-2: "Probably Damaging"; Align-GVGD: "Class C0").

NM_001256789.3(CACNA1F):c.2187T>G (p.Ile729Met)

Gene: CACNA1F (calcium voltage-gated channel subunit alpha1 F; minus strand). Cytogenetic location: Xp11.23.
Variant type: single nucleotide variant.
Coding change: c.2187T>G on transcript NM_001256789.3 (MANE Select); coding-DNA position 2187, T replaced by G.
Protein change: p.Ile729Met; replaces isoleucine 729 with methionine.
Molecular consequence: missense variant.
Genome position (GRCh38, 1-based): chrX:49,222,737, A>C on the plus strand (T>G on the coding strand, the complement: CACNA1F is on the minus strand). VCF-style: chrX-49222737-A-C. GRCh37 (hg19) VCF-style: chrX-49079196-A-C.
Other names: c.2025T>G, p.Ile675Met (NM_001256790.3); c.2220T>G, p.Ile740Met (NM_005183.4); short protein forms I675M, I729M, I740M.
Identifiers: ClinVar variation 1721087 (VCV001721087.5), dbSNP rs1419912500, ClinGen allele CA412910285.